The following is an entry in ClinVar:

NM_005732.4(RAD50):c.856A>C (p.Asn286His)

Gene: RAD50 (RAD50 double strand break repair protein; plus strand). Cytogenetic location: 5q31.1.
Variant type: single nucleotide variant.
Coding change: c.856A>C on transcript NM_005732.4 (MANE Select); coding-DNA position 856, A replaced by C.
Protein change: p.Asn286His; replaces asparagine 286 with histidine.
Molecular consequence: missense variant.
Genome position (GRCh38, 1-based): chr5:132,587,661, A>C. VCF-style: chr5-132587661-A-C. GRCh37 (hg19) VCF-style: chr5-131923353-A-C.
Other names: short protein forms N286H.
Identifiers: ClinVar variation 2842095 (VCV002842095.3), dbSNP rs754927950, ClinGen allele CA360940467.
Genomic context (GRCh38, chr5:132,587,661, plus strand): 5'-ATGAAACTTGACAATGAAATTAAAGCCTTGGATAGCCGAAAGAAGCAAATGGAGAAAGAT[A>C]ATAGTGAACTGGAAGAGAAAATGGAAAAGGTTTGTGGTGGTAGAATTTTGTTCTGCTTCA-3'
Protein context (NP_005723.2, residues 276-296): DSRKKQMEKD[Asn286His]SELEEKMEKV

ClinVar aggregate classification (germline): Uncertain significance (1 of 4 stars; one submission).

Conditions:
Hereditary cancer-predisposing syndrome. Also called: Neoplastic Syndromes, Hereditary; Hereditary Cancer Syndrome; Hereditary neoplastic syndrome; Tumor predisposition. Identifiers: Orphanet 140162, MedGen C0027672, MeSH D009386, MONDO:0015356.

Submission:

Labcorp Genetics (formerly Invitae), Labcorp
Classification: Uncertain significance for Hereditary cancer-predisposing syndrome. Last evaluated: 2023-03-02. Review status: criteria provided, single submitter. Criteria: Invitae Variant Classification Sherloc (09022015). Collection method: clinical testing. Allele origin: germline.
Comment: This sequence change replaces asparagine, which is neutral and polar, with histidine, which is basic and polar, at codon 286 of the RAD50 protein (p.Asn286His). This variant is not present in population databases (gnomAD no frequency). This variant has not been reported in the literature in individuals affected with RAD50-related conditions. Advanced modeling of protein sequence and biophysical properties (such as structural, functional, and spatial information, amino acid conservation, physicochemical variation, residue mobility, and thermodynamic stability) performed at Invitae indicates that this missense variant is expected to disrupt RAD50 protein function. In summary, the available evidence is currently insufficient to determine the role of this variant in disease. Therefore, it has been classified as a Variant of Uncertain Significance.